The following is an entry in ClinVar:

NM_006859.4(LIAS):c.38G>A (p.Gly13Glu)

Genes: LIAS (lipoic acid synthetase; plus strand), LOC112939935 (Sharpr-MPRA regulatory region 11886; plus strand). Cytogenetic location: 4p14.
Variant type: single nucleotide variant.
Coding change: c.38G>A on transcript NM_006859.4 (MANE Select); coding-DNA position 38, G replaced by A.
Protein change: p.Gly13Glu; replaces glycine 13 with glutamic acid.
Molecular consequence: missense variant.
Genome position (GRCh38, 1-based): chr4:39,459,155, G>A. VCF-style: chr4-39459155-G-A. GRCh37 (hg19) VCF-style: chr4-39460775-G-A.
Other names: c.38G>A (NM_006859.2); c.38G>A, p.Gly13Glu (NM_001278590.2, NM_001278591.2, NM_001278592.2 and 2 more transcripts); short protein forms G13E.
Identifiers: ClinVar variation 1412533 (VCV001412533.9), dbSNP rs1187910864, ClinGen allele CA356663520.
Genomic context (GRCh38, chr4:39,459,155, plus strand): 5'-ACTGCGCTAGTCCTAAAGAGGAAATGTCTCTACGCTGCGGGGATGCAGCCCGCACCCTGG[G>A]GCCCCGGGTGAGCGGCGGGGCGAACGGGTTTGGGCGTGGGGTGGGGGGATCCTATCCCTT-3'
Protein context (NP_006850.2, residues 3-23): LRCGDAARTL[Gly13Glu]PRVFGRYFCS

ClinVar aggregate classification (germline): Uncertain significance. Review status: criteria provided, multiple submitters, no conflicts (2 of 4 stars). 2 submissions from 2 submitters: Uncertain significance (2). Last evaluated 2025-05-21.

Conditions:
Lipoic acid synthetase deficiency. Also called: HYPERGLYCINEMIA, LACTIC ACIDOSIS, AND SEIZURES. Identifiers: Orphanet 401859, MedGen C3280887, MONDO:0013762, OMIM 614462.
Inborn genetic diseases. Identifiers: MedGen C0950123, MeSH D030342.

Allele frequency attached by ClinVar (database versions not stated): gnomAD exomes below 0.00001; gnomAD 0.00001; TOPMed 0.00001.
gnomAD v4.1: 7 of 1,613,176 alleles (0.00043%); highest among the groups gnomAD compares: African/African-American, 0.0013%; no homozygotes.

Submissions (2):

Ambry Genetics
Classification: Uncertain significance for Inborn genetic diseases. Last evaluated: 2025-05-21. Review status: criteria provided, single submitter. Criteria: Ambry Variant Classification Scheme 2023. Collection method: clinical testing. Allele origin: germline.

Labcorp Genetics (formerly Invitae), Labcorp
Classification: Uncertain significance for Lipoic acid synthetase deficiency. Last evaluated: 2023-04-06. Review status: criteria provided, single submitter. Criteria: Invitae Variant Classification Sherloc (09022015). Collection method: clinical testing. Allele origin: germline.
Comment: This variant has not been reported in the literature in individuals affected with LIAS-related conditions. In summary, the available evidence is currently insufficient to determine the role of this variant in disease. Therefore, it has been classified as a Variant of Uncertain Significance. An algorithm developed to predict the effect of missense changes on protein structure and function (PolyPhen-2) suggests that this variant is likely to be tolerated. ClinVar contains an entry for this variant (Variation ID: 1412533). This variant is present in population databases (no rsID available, gnomAD 0.01%). This sequence change replaces glycine, which is neutral and non-polar, with glutamic acid, which is acidic and polar, at codon 13 of the LIAS protein (p.Gly13Glu).